The following is an entry in ClinVar:

NM_152263.4(TPM3):c.590A>T (p.Glu197Val)

Gene: TPM3 (tropomyosin 3; minus strand). Cytogenetic location: 1q21.3.
Variant type: single nucleotide variant.
Coding change: c.590A>T on transcript NM_152263.4 (MANE Select); coding-DNA position 590, A replaced by T.
Protein change: p.Glu197Val; replaces glutamic acid 197 with valine.
Molecular consequence: missense variant. On other transcripts: intron variant (8).
Genome position (GRCh38, 1-based): chr1:154,171,465, T>A on the plus strand (A>T on the coding strand, the complement: TPM3 is on the minus strand). VCF-style: chr1-154171465-T-A. GRCh37 (hg19) VCF-style: chr1-154143941-T-A.
Other names: c.479A>T, p.Glu160Val (NM_001043351.2, NM_001043353.2, NM_001349679.2); c.209A>T, p.Glu70Val (NM_001278191.2); c.590A>T, p.Glu197Val (NM_001364679.2, NM_001364681.2); c.642+564A>T (NM_001364680.2, NM_001364682.1); c.333+564A>T (NM_001278188.2); c.531+564A>T (NM_001278190.2, NM_153649.4, NM_001043352.2 and 2 more transcripts); short protein forms E160V, E197V, E70V.
Identifiers: ClinVar variation 4885209 (VCV004885209.2).

ClinVar aggregate classification (germline): Uncertain significance (1 of 4 stars; one submission).

gnomAD v4.1: 6 of 1,613,958 alleles (0.00037%); highest among the groups gnomAD compares: Admixed American, 0.0017%; no homozygotes.

Submission:

Dasa
Classification: Uncertain significance. Last evaluated: 2025-10-30. Review status: criteria provided, single submitter. Criteria: DASA Assertion Criteria. Collection method: clinical testing. Allele origin: germline.
Comment: NM_152263.4(TPM3):c.590A>T (p.Glu197Val) is a missense variant that results in the substitution of glutamic acid with valine. This variant is rare in population databases. Computational prediction algorithms are consistent with a deleterious effect. The currently available literature and clinical evidence are not sufficient to establish a definitive association between this variant and the reported condition. Therefore, this variant is classified as a variant of uncertain significance.